The following is an entry in ClinVar:

ClinVar aggregate classification (germline): Uncertain significance (1 of 4 stars; one submission).

Conditions:
Bethlem myopathy 1A. Also called: MYOPATHY, BENIGN CONGENITAL, WITH CONTRACTURES; Bethlem myopathy 1; Bethlem Muscular Dystrophy. Identifiers: Orphanet 610, MedGen CN029274, MONDO:0024530, OMIM 158810.

Allele frequency attached by ClinVar (database versions not stated): TOPMed 0.00001; gnomAD exomes 0.00003.
gnomAD v4.1: 43 of 1,614,260 alleles (0.0027%); highest among the groups gnomAD compares: Non-Finnish European, 0.0036%; no homozygotes.

Submission:

Labcorp Genetics (formerly Invitae), Labcorp
Classification: Uncertain significance for Bethlem myopathy 1A. Last evaluated: 2025-07-28. Review status: criteria provided, single submitter. Criteria: Invitae Variant Classification Sherloc (09022015). Collection method: clinical testing. Allele origin: germline.
Comment: This sequence change replaces serine, which is neutral and polar, with tyrosine, which is neutral and polar, at codon 1791 of the COL6A3 protein (p.Ser1791Tyr). This variant is present in population databases (no rsID available, gnomAD 0.003%). This variant has not been reported in the literature in individuals affected with COL6A3-related conditions. ClinVar contains an entry for this variant (Variation ID: 2913664). Invitae Evidence Modeling of protein sequence and biophysical properties (such as structural, functional, and spatial information, amino acid conservation, physicochemical variation, residue mobility, and thermodynamic stability) indicates that this missense variant is expected to disrupt COL6A3 protein function with a positive predictive value of 80%. In summary, the available evidence is currently insufficient to determine the role of this variant in disease. Therefore, it has been classified as a Variant of Uncertain Significance.

NM_004369.4(COL6A3):c.5372C>A (p.Ser1791Tyr)

Gene: COL6A3 (collagen type VI alpha 3 chain; minus strand). Cytogenetic location: 2q37.3.
Variant type: single nucleotide variant.
Coding change: c.5372C>A on transcript NM_004369.4 (MANE Select); coding-DNA position 5372, C replaced by A.
Protein change: p.Ser1791Tyr; replaces serine 1791 with tyrosine.
Molecular consequence: missense variant.
Genome position (GRCh38, 1-based): chr2:237,366,815, G>T on the plus strand (C>A on the coding strand, the complement: COL6A3 is on the minus strand). VCF-style: chr2-237366815-G-T. GRCh37 (hg19) VCF-style: chr2-238275458-G-T.
Other names: c.3551C>A, p.Ser1184Tyr (NM_057166.5); c.4754C>A, p.Ser1585Tyr (NM_057167.4); short protein forms S1184Y, S1585Y, S1791Y.
Identifiers: ClinVar variation 2913664 (VCV002913664.3), dbSNP rs1332888555, ClinGen allele CA351187621.